The following is an entry in ClinVar:

NM_001017995.3(SH3PXD2B):c.329C>A (p.Pro110His)

Gene: SH3PXD2B (SH3 and PX domains 2B; minus strand). Cytogenetic location: 5q35.1.
Variant type: single nucleotide variant.
Coding change: c.329C>A on transcript NM_001017995.3 (MANE Select); coding-DNA position 329, C replaced by A.
Protein change: p.Pro110His; replaces proline 110 with histidine.
Molecular consequence: missense variant.
Genome position (GRCh38, 1-based): chr5:172,382,108, G>T on the plus strand (C>A on the coding strand, the complement: SH3PXD2B is on the minus strand). VCF-style: chr5-172382108-G-T. GRCh37 (hg19) VCF-style: chr5-171809112-G-T.
Other names: c.329C>A, p.Pro110His (NM_001308175.2); short protein forms P110H.
Identifiers: ClinVar variation 1976997 (VCV001976997.5), dbSNP rs776745582, ClinGen allele CA362144761.

ClinVar aggregate classification (germline): Uncertain significance (1 of 4 stars; one submission).

gnomAD v4.1: 2 of 1,609,040 alleles (0.00012%); highest among the groups gnomAD compares: Non-Finnish European, 0.00017%; no homozygotes.

Submission:

Labcorp Genetics (formerly Invitae), Labcorp
Classification: Uncertain significance. Last evaluated: 2024-04-11. Review status: criteria provided, single submitter. Criteria: Invitae Variant Classification Sherloc (09022015). Collection method: clinical testing. Allele origin: germline.
Comment: This sequence change replaces proline, which is neutral and non-polar, with histidine, which is basic and polar, at codon 110 of the SH3PXD2B protein (p.Pro110His). This variant is not present in population databases (gnomAD no frequency). This variant has not been reported in the literature in individuals affected with SH3PXD2B-related conditions. ClinVar contains an entry for this variant (Variation ID: 1976997). An algorithm developed to predict the effect of missense changes on protein structure and function (PolyPhen-2) suggests that this variant is likely to be disruptive. In summary, the available evidence is currently insufficient to determine the role of this variant in disease. Therefore, it has been classified as a Variant of Uncertain Significance.